The following is an entry in ClinVar:

ClinVar aggregate classification (germline): Pathogenic (1 of 4 stars; one submission).

Submission:

Quest Diagnostics Nichols Institute San Juan Capistrano
Classification: Pathogenic. Last evaluated: 2026-06-05. Review status: criteria provided, single submitter. Criteria: ACMG/ClinGen CNV Guidelines, 2019. Collection method: clinical testing. Allele origin: unknown.
Comment: This copy number loss involves at least two protein-coding genes, including MSL3 (OMIM 300609) and FRMPD4 (OMIM 300838). Copy number loss of MSL3 has been associated with X-linked dominant Basilicata-Akhtar syndrome (CCID:007486; OMIM 301032). Additionally, hemizygous variants of FRMPD4 have been associated with X-linked intellectual developmental disorder 104 (OMIM 300983). Thus, based on current medical literature and gene content, this copy number variant (CNV) is classified as pathogenic; however, presentation in females is likely dependent upon X-inactivation status.

GRCh37/hg19 Xp22.2(chrX:11741385-12371156)x1

Genes: FRMPD4 (FERM and PDZ domain containing 4; plus strand), MSL3 (MSL complex subunit 3; plus strand). Cytogenetic location: Xp22.2.
Variant type: copy number loss.
Change: copy number 1 of chrX:11,741,385-12,371,156 (629.8 kb, GRCh37 coordinates, 1-based), cytogenetic band Xp22.2.
Identifiers: ClinVar variation 816308 (VCV000816308.2).